The following is an entry in ClinVar:

NM_001377299.1(NDUFS2):c.393+132G>A

Gene: NDUFS2 (NADH:ubiquinone oxidoreductase core subunit S2; plus strand). Cytogenetic location: 1q23.3.
Variant type: single nucleotide variant.
Coding change: c.393+132G>A on transcript NM_001377299.1 (MANE Select); 132 bases into the intron after coding-DNA position 393, G replaced by A.
Molecular consequence: intron variant.
Genome position (GRCh38, 1-based): chr1:161,206,729, G>A. VCF-style: chr1-161206729-G-A. GRCh37 (hg19) VCF-style: chr1-161176519-G-A.
Other names: c.393+132G>A (NM_001377300.1, NM_001377298.1, NM_001377301.1 and 3 more transcripts).
Identifiers: ClinVar variation 676273 (VCV000676273.1), dbSNP rs79181095, ClinGen allele CA31670004.
Genomic context (GRCh38, chr1:161,206,729, plus strand): 5'-GCCCTTAAAACGTGAGGGGAGGAAGGTGTTGAGAGGAGTAACCCGTTGAGATTACTCTTG[G>A]TTGGGTGGATGGAGGGAAGTGGCAGGGGATGCTTGAGTCATTAGGATTTGGTTTATTTAG-3'

ClinVar aggregate classification (germline): Benign (1 of 4 stars; one submission).

Allele frequency attached by ClinVar (database versions not stated): 1000 Genomes Project 0.03215; 1000 Genomes Project 30x 0.03279; TOPMed 0.06398; gnomAD 0.06622 and 0.06816; gnomAD exomes 0.07805.
gnomAD v4.1: 73,417 of 961,256 alleles (7.6%); highest among the groups gnomAD compares: Middle Eastern, 12%; 3,324 homozygotes.

Submission:

GeneDx
Classification: Benign. Last evaluated: 2018-06-19. Review status: criteria provided, single submitter. Criteria: GeneDx Variant Classification (06012015). Collection method: clinical testing. Allele origin: germline. Affected: yes.
Comment: This variant is considered likely benign or benign based on one or more of the following criteria: it is a conservative change, it occurs at a poorly conserved position in the protein, it is predicted to be benign by multiple in silico algorithms, and/or has population frequency not consistent with disease.